The following is an entry in ClinVar:

NM_006031.6(PCNT):c.720+6C>G

Gene: PCNT (pericentrin; plus strand). Cytogenetic location: 21q22.3.
Variant type: single nucleotide variant.
Coding change: c.720+6C>G on transcript NM_006031.6 (MANE Select); 6 bases into the intron after coding-DNA position 720, C replaced by G.
Molecular consequence: intron variant.
Genome position (GRCh38, 1-based): chr21:46,346,214, C>G. VCF-style: chr21-46346214-C-G. GRCh37 (hg19) VCF-style: chr21-47766128-C-G.
Other names: c.366+6C>G (NM_001315529.2).
Identifiers: ClinVar variation 4781371 (VCV004781371.1).
Genomic context (GRCh38, chr21:46,346,214, plus strand): 5'-CATTACTGACCTGGAGAGCGGCCGTGAAGATGAGGCTGGCCTGCATCAGAGTCAGGTGAC[C>G]CGGCGGGGCCTGCACAGGCTCACAGCATGGGCTCTGTTATCCCCACAGGGCACAGTGGGC-3'

ClinVar aggregate classification (germline): Uncertain significance (1 of 4 stars; one submission).

gnomAD v4.1: 3 of 1,612,962 alleles (0.00019%); highest among the groups gnomAD compares: Admixed American, 0.005%; no homozygotes.

Submission:

Labcorp Genetics (formerly Invitae), Labcorp
Classification: Uncertain significance. Last evaluated: 2025-06-19. Review status: criteria provided, single submitter. Criteria: Invitae Variant Classification Sherloc (09022015). Collection method: clinical testing. Allele origin: germline.
Comment: This sequence change falls in intron 4 of the PCNT gene. It does not directly change the encoded amino acid sequence of the PCNT protein. It affects a nucleotide within the consensus splice site. This variant is present in population databases (no rsID available, gnomAD 0.006%). This variant has not been reported in the literature in individuals affected with PCNT-related conditions. Variants that disrupt the consensus splice site are a relatively common cause of aberrant splicing (PMID: 17576681, 9536098). Algorithms developed to predict the effect of sequence changes on RNA splicing suggest that this variant is not likely to affect RNA splicing. In summary, the available evidence is currently insufficient to determine the role of this variant in disease. Therefore, it has been classified as a Variant of Uncertain Significance.

Literature cited by the submitters: PubMed 17576681; PubMed 9536098.